The following is an entry in ClinVar:

NM_004370.6(COL12A1):c.3565+8A>G

Gene: COL12A1 (collagen type XII alpha 1 chain; minus strand). Cytogenetic location: 6q13.
Variant type: single nucleotide variant.
Coding change: c.3565+8A>G on transcript NM_004370.6 (MANE Select); 8 bases into the intron after coding-DNA position 3565, A replaced by G.
Molecular consequence: intron variant.
Genome position (GRCh38, 1-based): chr6:75,154,408, T>C on the plus strand (A>G on the coding strand, the complement: COL12A1 is on the minus strand). VCF-style: chr6-75154408-T-C. GRCh37 (hg19) VCF-style: chr6-75864124-T-C.
Other names: c.74-1926A>G (NM_001424116.1, NM_080645.3); c.3292+8A>G (NM_001424115.1); c.3565+8A>G (NM_001424114.1, NM_001424113.1).
Identifiers: ClinVar variation 4997984 (VCV004997984.1).

ClinVar aggregate classification (germline): Likely benign (1 of 4 stars; one submission).

Conditions:
COL12A1-related disorder. Also called: COL12A1-related condition.

gnomAD v4.1: 2 of 1,608,928 alleles (0.00012%); highest among the groups gnomAD compares: Non-Finnish European, 0.00017%; no homozygotes.

Submission:

PreventionGenetics, part of Exact Sciences
Classification: Likely benign for COL12A1-related condition. Last evaluated: 2025-06-02. Review status: criteria provided, single submitter. Criteria: ACMG Guidelines, 2015. Collection method: clinical testing. Allele origin: germline.
Comment: This variant is classified as likely benign based on ACMG/AMP sequence variant interpretation guidelines (Richards et al. 2015 PMID: 25741868, with internal and published modifications).